The following is an entry in ClinVar:

ClinVar aggregate classification (germline): Benign. Review status: criteria provided, multiple submitters, no conflicts (2 of 4 stars). 6 submissions from 6 submitters: Benign (6). Last evaluated 2026-01-31.

Conditions:
Collagen 6-related myopathy. Identifiers: MedGen CN117976, MONDO:0100225.
Bethlem myopathy 1A. Also called: Bethlem myopathy 1; Bethlem Muscular Dystrophy; MYOPATHY, BENIGN CONGENITAL, WITH CONTRACTURES. Identifiers: Orphanet 610, MedGen CN029274, MONDO:0024530, OMIM 158810.

Allele frequency attached by ClinVar (database versions not stated): 1000 Genomes Project 0.00539; gnomAD 0.00709 and 0.00775; TOPMed 0.00802; gnomAD exomes 0.00080 and 0.00168; ESP Exome Variant Server 0.00686; ExAC 0.00370; 1000 Genomes Project 30x 0.00562.
gnomAD v4.1: 2,287 of 1,600,852 alleles (0.14%); highest among the groups gnomAD compares: African/African-American, 2.5%; 25 homozygotes.

Submissions (6):

Labcorp Genetics (formerly Invitae), Labcorp
Classification: Benign for Bethlem myopathy 1A. Last evaluated: 2026-01-31. Review status: criteria provided, single submitter. Criteria: Invitae Variant Classification Sherloc (09022015). Collection method: clinical testing. Allele origin: germline.

Mayo Clinic Laboratories, Mayo Clinic
Classification: Benign. Last evaluated: 2018-10-04. Review status: criteria provided, single submitter. Criteria: ACMG Guidelines, 2015. Collection method: clinical testing. Allele origin: germline. Observed: 3 variant alleles.

Illumina Laboratory Services, Illumina
Classification: Benign for Collagen VI-related myopathy. Last evaluated: 2018-01-12. Review status: criteria provided, single submitter. Criteria: ICSL Variant Classification Criteria 13 December 2019. Collection method: clinical testing. Allele origin: germline.
Comment: This variant was observed in the ICSL laboratory as part of a predisposition screen in an ostensibly healthy population. It had not been previously curated by ICSL or reported in the Human Gene Mutation Database (HGMD: prior to June 1st, 2018), and was therefore a candidate for classification through an automated scoring system. Utilizing variant allele frequency, disease prevalence and penetrance estimates, and inheritance mode, an automated score was calculated to assess if this variant is too frequent to cause the disease. Based on the score and internal cut-off values, a variant classified as benign is not then subjected to further curation. The score for this variant resulted in a classification of benign for this disease.

GeneDx
Classification: Benign. Last evaluated: 2017-06-05. Review status: criteria provided, single submitter. Criteria: GeneDx Variant Classification (06012015). Collection method: clinical testing. Allele origin: germline. Affected: yes.
Comment: This variant is considered likely benign or benign based on one or more of the following criteria: it is a conservative change, it occurs at a poorly conserved position in the protein, it is predicted to be benign by multiple in silico algorithms, and/or has population frequency not consistent with disease.

Eurofins Ntd Llc (ga)
Classification: Benign. Last evaluated: 2012-08-27. Review status: criteria provided, single submitter. Criteria: EGL Classification Definitions 2015. Collection method: clinical testing. Allele origin: germline. Observed: 2 variant alleles, 2 heterozygotes.

Breakthrough Genomics
Classification: Benign. Review status: criteria provided, single submitter. Criteria: ACMG Guidelines, 2015. Collection method: not provided. Allele origin: germline. Inheritance: Autosomal recessive inheritance. Affected: yes.

NM_001848.3(COL6A1):c.1316G>A (p.Arg439Gln)

Gene: COL6A1 (collagen type VI alpha 1 chain; plus strand). Cytogenetic location: 21q22.3.
Variant type: single nucleotide variant.
Coding change: c.1316G>A on transcript NM_001848.3 (MANE Select); coding-DNA position 1316, G replaced by A.
Protein change: p.Arg439Gln; replaces arginine 439 with glutamine.
Molecular consequence: missense variant.
Genome position (GRCh38, 1-based): chr21:45,992,791, G>A. VCF-style: chr21-45992791-G-A. GRCh37 (hg19) VCF-style: chr21-47412705-G-A.
Identifiers: ClinVar variation 93810 (VCV000093810.55), dbSNP rs35059000, ClinGen allele CA147319.
Genomic context (GRCh38, chr21:45,992,791, plus strand): 5'-CATGTCTCTCCACTCAGGGTGGCCCTGGAGAGAGAGGACCACGGGGGACCCCAGGCACGC[G>A]GGGACCAAGAGGAGACCCTGTGAGTCACAGTTCCTGGAGCTGGGAACCACCCCAGGAAGG-3'
Protein context (NP_001839.2, residues 429-449): ERGPRGTPGT[Arg439Gln]GPRGDPGEAG